The following is an entry in ClinVar:

ClinVar aggregate classification (germline): Uncertain significance (1 of 4 stars; one submission).

Conditions:
Hermansky-Pudlak syndrome 2 (HPS2). Also called: Platelet defects and oculocutaneous albinism. Identifiers: Orphanet 183678, Orphanet 79430, MedGen C1842362, MONDO:0011997, OMIM 608233.

Submission:

Labcorp Genetics (formerly Invitae), Labcorp
Classification: Uncertain significance for Hermansky-Pudlak syndrome 2. Last evaluated: 2017-12-27. Review status: criteria provided, single submitter. Criteria: Invitae Variant Classification Sherloc (09022015). Collection method: clinical testing. Allele origin: germline.
Comment: This sequence change replaces lysine with arginine at codon 922 of the AP3B1 protein (p.Lys922Arg). The lysine residue is moderately conserved and there is a small physicochemical difference between lysine and arginine. This variant is not present in population databases (ExAC no frequency). This variant has not been reported in the literature in individuals with AP3B1-related disease. Algorithms developed to predict the effect of missense changes on protein structure and function output the following: SIFT: "Tolerated"; PolyPhen-2: "Benign"; Align-GVGD: "Class C0". The arginine amino acid residue is found in multiple mammalian species, suggesting that this missense change does not adversely affect protein function. These predictions have not been confirmed by published functional studies and their clinical significance is uncertain. In summary, the available evidence is currently insufficient to determine the role of this variant in disease. Therefore, it has been classified as a Variant of Uncertain Significance.

NM_003664.5(AP3B1):c.2765A>G (p.Lys922Arg)

Gene: AP3B1 (adaptor related protein complex 3 subunit beta 1; minus strand). Cytogenetic location: 5q14.1.
Variant type: single nucleotide variant.
Coding change: c.2765A>G on transcript NM_003664.5 (MANE Select); coding-DNA position 2765, A replaced by G.
Protein change: p.Lys922Arg; replaces lysine 922 with arginine.
Molecular consequence: missense variant.
Genome position (GRCh38, 1-based): chr5:78,039,087, T>C on the plus strand (A>G on the coding strand, the complement: AP3B1 is on the minus strand). VCF-style: chr5-78039087-T-C. GRCh37 (hg19) VCF-style: chr5-77334911-T-C.
Other names: c.2618A>G, p.Lys873Arg (NM_001271769.2); short protein forms K922R, K873R.
Identifiers: ClinVar variation 533469 (VCV000533469.1), dbSNP rs1554059568, ClinGen allele CA360331931.